The following is an entry in ClinVar:

NM_001110556.2(FLNA):c.1228+2_1228+3dup

Gene: FLNA (filamin A; minus strand). Cytogenetic location: Xq28.
Variant type: Duplication.
Coding change: c.1228+2_1228+3dup on transcript NM_001110556.2 (MANE Select); the canonical splice donor site of the intron after coding-DNA position 1228 through 3 bases into the intron after coding-DNA position 1228, 2 bases duplicated (TG; older notation c.1228+2_1228+3dupTG).
Molecular consequence: splice donor variant.
Genome position (GRCh38, 1-based): chrX:154,366,305-154,366,306, CA duplicated on the plus strand (TG on the coding strand, the reverse complement: FLNA is on the minus strand); duplicating any 2 consecutive bases within chrX:154,366,305-154,366,307 gives the same sequence; the c. name uses the placement nearest the transcript's 3' end. VCF-style (leftmost placement, unchanged base first): chrX-154366304-T-TCA. GRCh37 (hg19) VCF-style: chrX-153594672-T-TCA.
Other names: c.1228+2_1228+3dup (NM_001456.4).
Identifiers: ClinVar variation 2428917 (VCV002428917.3), dbSNP rs2522760658, ClinGen allele CA2580101921.

ClinVar aggregate classification (germline): Uncertain significance (1 of 4 stars; one submission).

Submission:

GeneDx
Classification: Uncertain significance. Last evaluated: 2022-08-04. Review status: criteria provided, single submitter. Criteria: GeneDx Variant Classification Process June 2021. Collection method: clinical testing. Allele origin: germline. Affected: yes.
Comment: Not observed at significant frequency in large population cohorts (gnomAD); In-silico analysis is inconclusive as to whether the variant alters gene splicing. In the absence of RNA/functional studies, the actual effect of this sequence change is unknown.; Has not been previously published as pathogenic or benign to our knowledge